The following is an entry in ClinVar:

NM_144997.7(FLCN):c.-141G>T

Gene: FLCN (folliculin; minus strand). Cytogenetic location: 17p11.2.
Variant type: single nucleotide variant.
Coding change: c.-141G>T on transcript NM_144997.7 (MANE Select); 141 bases upstream of the start codon, G replaced by T.
Molecular consequence: 5 prime UTR variant.
Genome position (GRCh38, 1-based): chr17:17,232,815, C>A on the plus strand (G>T on the coding strand, the complement: FLCN is on the minus strand). VCF-style: chr17-17232815-C-A. GRCh37 (hg19) VCF-style: chr17-17136129-C-A.
Other names: c.-141G>T (LRG_325t1, NM_001353229.2, NM_144606.7); c.-424G>T (NM_001353230.2); c.-340G>T (NM_001353231.2).
Identifiers: ClinVar variation 322079 (VCV000322079.5), dbSNP rs541105214, ClinGen allele CA10648713.

ClinVar aggregate classification (germline): Likely benign. Review status: criteria provided, single submitter (1 of 4 stars). 2 submissions from 1 submitter: Likely benign (2). Last evaluated 2017-04-27.

Conditions:
Familial spontaneous pneumothorax (PSP). Identifiers: Orphanet 2903, MedGen C1868193, MONDO:0008259, OMIM 173600.
Birt-Hogg-Dube syndrome. Also called: Birt Hogg Dubé syndrome. Identifiers: Orphanet 122, MedGen C0346010, MONDO:0800444.

Allele frequency attached by ClinVar (database versions not stated): gnomAD below 0.00001 and 0.00012; TOPMed 0.00002; 1000 Genomes Project 30x 0.00187; 1000 Genomes Project 0.00220.

Submissions (2):

Illumina Laboratory Services, Illumina
Classification: Likely benign for Birt-Hogg-Dube syndrome 1. Last evaluated: 2017-04-27. Review status: criteria provided, single submitter. Criteria: ICSL Variant Classification Criteria 13 December 2019. Collection method: clinical testing. Allele origin: germline.
Comment: This variant was observed as part of a predisposition screen in an ostensibly healthy population. A literature search was performed for the gene, cDNA change, and amino acid change (where applicable). No publications were found based on this search. Allele frequency data from public databases allowed determination this variant is unlikely to cause disease. Therefore, this variant is classified as likely benign.

Illumina Laboratory Services, Illumina
Classification: Likely benign for Familial spontaneous pneumothorax. Last evaluated: 2017-04-27. Review status: criteria provided, single submitter. Criteria: ICSL Variant Classification Criteria 13 December 2019. Collection method: clinical testing. Allele origin: germline.
Comment: the same text as in the submission from Illumina Laboratory Services, Illumina above.